The following is an entry in ClinVar:

NM_001127644.2(GABRA1):c.459C>T (p.Thr153=)

Gene: GABRA1 (gamma-aminobutyric acid type A receptor subunit alpha1; plus strand). Cytogenetic location: 5q34.
Variant type: single nucleotide variant.
Coding change: c.459C>T on transcript NM_001127644.2 (MANE Select); coding-DNA position 459, C replaced by T.
Protein change: p.Thr153=; no amino-acid change (threonine 153 retained).
Molecular consequence: synonymous variant.
Genome position (GRCh38, 1-based): chr5:161,873,320, C>T. VCF-style: chr5-161873320-C-T. GRCh37 (hg19) VCF-style: chr5-161300326-C-T.
Other names: c.459C>T, p.Thr153= (NM_000806.5, NM_001127643.2, NM_001127645.2 and 1 more transcripts).
Identifiers: ClinVar variation 1142039 (VCV001142039.10), dbSNP rs761693717, ClinGen allele CA3544409.

ClinVar aggregate classification (germline): Likely benign. Review status: criteria provided, multiple submitters, no conflicts (2 of 4 stars). 2 submissions from 2 submitters: Likely benign (2). Last evaluated 2026-07-01.

Conditions:
Idiopathic generalized epilepsy. Also called: Generalised epilepsy; EIG. Identifiers: MedGen C0270850, MONDO:0005579, OMIM 600669.
Epilepsy, idiopathic generalized, susceptibility to, 13. Also called: EPILEPSY, JUVENILE MYOCLONIC, SUSCEPTIBILITY TO, 5. Identifiers: Orphanet 307, Orphanet 64280, MedGen C4013473, MONDO:0012627, OMIM 611136.
Epilepsy, childhood absence 4 (ECA4). Also called: EPILEPSY, CHILDHOOD ABSENCE, SUSCEPTIBILITY TO, 4. Identifiers: Orphanet 307, MedGen C1970160.

Allele frequency attached by ClinVar (database versions not stated): gnomAD 0.00001; gnomAD exomes 0.00001; ExAC 0.00002.
gnomAD v4.1: 15 of 1,613,194 alleles (0.00093%); highest among the groups gnomAD compares: Middle Eastern, 0.033%; no homozygotes.

Submissions (2):

CeGaT Center for Human Genetics Tuebingen
Classification: Likely benign. Last evaluated: 2026-07-01. Review status: criteria provided, single submitter. Criteria: CeGaT Center For Human Genetics Tuebingen Variant Classification Criteria Version 2. Collection method: clinical testing. Allele origin: germline. Affected: yes. Observed: 1 variant allele.
Comment: GABRA1: BP4, BP7

Labcorp Genetics (formerly Invitae), Labcorp
Classification: Likely benign for Epilepsy, childhood absence 4; Epilepsy, idiopathic generalized, susceptibility to, 13; Idiopathic generalized epilepsy. Last evaluated: 2023-10-13. Review status: criteria provided, single submitter. Criteria: Invitae Variant Classification Sherloc (09022015). Collection method: clinical testing. Allele origin: germline.